The following is an entry in ClinVar:

NM_001458.5(FLNC):c.6823A>G (p.Ser2275Gly)

Genes: FLNC (filamin C; plus strand), FLNC-AS1 (FLNC antisense RNA 1; minus strand). Cytogenetic location: 7q32.1.
Variant type: single nucleotide variant.
Coding change: c.6823A>G on transcript NM_001458.5 (MANE Select); coding-DNA position 6823, A replaced by G.
Protein change: p.Ser2275Gly; replaces serine 2275 with glycine.
Molecular consequence: missense variant.
Genome position (GRCh38, 1-based): chr7:128,854,508, A>G. VCF-style: chr7-128854508-A-G. GRCh37 (hg19) VCF-style: chr7-128494562-A-G.
Other names: c.6724A>G, p.Ser2242Gly (NM_001127487.2); short protein forms S2242G, S2275G.
Identifiers: ClinVar variation 1945484 (VCV001945484.5), dbSNP rs2536665036, ClinGen allele CA369213822.

ClinVar aggregate classification (germline): Uncertain significance (1 of 4 stars; one submission).

Conditions:
Myofibrillar myopathy 5. Also called: Filaminopathy (type); FILAMINOPATHY, AUTOSOMAL DOMINANT. Identifiers: Orphanet 171445, MedGen C1836050, MONDO:0012289, OMIM 609524.
Hypertrophic cardiomyopathy 26. Also called: Cardiomyopathy, familial hypertrophic, 26. Identifiers: Orphanet 75249, MedGen C4310749, MONDO:0014883, OMIM 617047.
Distal myopathy with posterior leg and anterior hand involvement. Also called: WILLIAMS DISTAL MYOPATHY. Identifiers: Orphanet 63273, MedGen C3279722, MONDO:0013550, OMIM 614065.

Submission:

Labcorp Genetics (formerly Invitae), Labcorp
Classification: Uncertain significance for Distal myopathy with posterior leg and anterior hand involvement; Myofibrillar myopathy 5; Hypertrophic cardiomyopathy 26. Last evaluated: 2022-09-23. Review status: criteria provided, single submitter. Criteria: Invitae Variant Classification Sherloc (09022015). Collection method: clinical testing. Allele origin: germline.
Comment: This sequence change replaces serine, which is neutral and polar, with glycine, which is neutral and non-polar, at codon 2275 of the FLNC protein (p.Ser2275Gly). This variant is not present in population databases (gnomAD no frequency). This variant has not been reported in the literature in individuals affected with FLNC-related conditions. Advanced modeling of protein sequence and biophysical properties (such as structural, functional, and spatial information, amino acid conservation, physicochemical variation, residue mobility, and thermodynamic stability) performed at Invitae indicates that this missense variant is not expected to disrupt FLNC protein function. In summary, the available evidence is currently insufficient to determine the role of this variant in disease. Therefore, it has been classified as a Variant of Uncertain Significance.